The following is an entry in ClinVar:

NM_015102.5(NPHP4):c.3920T>A (p.Leu1307Gln)

Gene: NPHP4 (nephrocystin 4; minus strand). Cytogenetic location: 1p36.31.
Variant type: single nucleotide variant.
Coding change: c.3920T>A on transcript NM_015102.5 (MANE Select); coding-DNA position 3920, T replaced by A.
Protein change: p.Leu1307Gln; replaces leucine 1307 with glutamine.
Molecular consequence: missense variant. On other transcripts: non-coding transcript variant (1).
Genome position (GRCh38, 1-based): chr1:5,864,414, A>T on the plus strand (T>A on the coding strand, the complement: NPHP4 is on the minus strand). VCF-style: chr1-5864414-A-T. GRCh37 (hg19) VCF-style: chr1-5924474-A-T.
Other names: c.2381T>A, p.Leu794Gln (NM_001291593.2); c.2384T>A, p.Leu795Gln (NM_001291594.2); short protein forms L1307Q, L794Q, L795Q.
Identifiers: ClinVar variation 1343412 (VCV001343412.2), dbSNP rs2100386611, ClinGen allele CA338049716.

ClinVar aggregate classification (germline): Uncertain significance (1 of 4 stars; one submission).

Conditions:
Nephronophthisis 4 (NPHP4). Also called: NEPHRONOPHTHISIS 4, JUVENILE. Identifiers: Orphanet 655, MedGen C1847013, MONDO:0011752, OMIM 606966.

Submission:

Center for Human Genetics and Genomic Medicine, Uniklinik Rwth Aachen
Classification: Uncertain significance for Nephronophthisis 4. Last evaluated: 2022-03-11. Review status: criteria provided, single submitter. Criteria: ACMG Guidelines, 2015. Collection method: clinical testing. Allele origin: unknown. Inheritance: Autosomal recessive inheritance. Affected: yes. Observed: 1 homozygote.
Comment: The detected change has not been reported in the relevant databases (dbSNP151, gnomAD, ClinVar) or in the literature. Bioinformatically, the change is classified as "probably disease-causing" (PolyPhen2, Mutation Taster, SIFT, CADDphred 24.5). Furthermore, various prediction programs indicate that the variant detected here could be associated with an effect on splicing. The variant is currently to be regarded as a “variant of uncertain significance” (ACMG criteria).